The following is an entry in ClinVar:

NM_004168.4(SDHA):c.1633G>C (p.Asp545His)

Gene: SDHA (succinate dehydrogenase complex flavoprotein subunit A; plus strand). Cytogenetic location: 5p15.33.
Variant type: single nucleotide variant.
Coding change: c.1633G>C on transcript NM_004168.4 (MANE Select); coding-DNA position 1633, G replaced by C.
Protein change: p.Asp545His; replaces aspartic acid 545 with histidine.
Molecular consequence: missense variant. On other transcripts: intron variant (1).
Genome position (GRCh38, 1-based): chr5:251,073, G>C. VCF-style: chr5-251073-G-C. GRCh37 (hg19) VCF-style: chr5-251188-G-C.
Other names: c.1489G>C, p.Asp497His (NM_001294332.2); c.1552-3320G>C (NM_001330758.2); short protein forms D497H, D545H.
Identifiers: ClinVar variation 3754207 (VCV003754207.2).

ClinVar aggregate classification (germline): Uncertain significance (1 of 4 stars; one submission).

Conditions:
Mitochondrial complex II deficiency, nuclear type 1. Also called: SUCCINATE CoQ REDUCTASE DEFICIENCY. Identifiers: Orphanet 3208, MedGen C5700310, MONDO:0100294, OMIM 252011.
Pheochromocytoma/paraganglioma syndrome 5. Also called: Paragangliomas 5; SDHA-Related Hereditary Paraganglioma-Pheochromocytoma Syndrome. Identifiers: Orphanet 29072, MedGen C3279992, MONDO:0013602, OMIM 614165.

gnomAD v4.1: 1 of 1,612,020 alleles (0.000062%); highest among the groups gnomAD compares: Non-Finnish European, 0.000085%; no homozygotes.

Submission:

Labcorp Genetics (formerly Invitae), Labcorp
Classification: Uncertain significance for Pheochromocytoma/paraganglioma syndrome 5; Mitochondrial complex II deficiency, nuclear type 1. Last evaluated: 2024-04-03. Review status: criteria provided, single submitter. Criteria: Invitae Variant Classification Sherloc (09022015). Collection method: clinical testing. Allele origin: germline.
Comment: This sequence change replaces aspartic acid, which is acidic and polar, with histidine, which is basic and polar, at codon 545 of the SDHA protein (p.Asp545His). This variant is not present in population databases (gnomAD no frequency). This variant has not been reported in the literature in individuals affected with SDHA-related conditions. Advanced modeling of protein sequence and biophysical properties (such as structural, functional, and spatial information, amino acid conservation, physicochemical variation, residue mobility, and thermodynamic stability) performed at Invitae indicates that this missense variant is not expected to disrupt SDHA protein function with a negative predictive value of 95%. In summary, the available evidence is currently insufficient to determine the role of this variant in disease. Therefore, it has been classified as a Variant of Uncertain Significance.